The following is an entry in ClinVar:

ClinVar aggregate classification (germline): Uncertain significance (1 of 4 stars; one submission).

Conditions:
Dilated cardiomyopathy 1HH (CMD1HH). Identifiers: Orphanet 154, MedGen C3151293, MONDO:0013479, OMIM 613881.
Myofibrillar myopathy 6. Identifiers: Orphanet 199340, MedGen C2751831, MONDO:0013061, OMIM 612954.

Allele frequency attached by ClinVar (database versions not stated): gnomAD exomes below 0.00001; ExAC 0.00001.
gnomAD v4.1: 4 of 1,614,136 alleles (0.00025%); highest among the groups gnomAD compares: East Asian, 0.0022%; no homozygotes.

Submission:

Labcorp Genetics (formerly Invitae), Labcorp
Classification: Uncertain significance for Dilated cardiomyopathy 1HH; Myofibrillar myopathy 6. Last evaluated: 2025-02-05. Review status: criteria provided, single submitter. Criteria: Invitae Variant Classification Sherloc (09022015). Collection method: clinical testing. Allele origin: germline.
Comment: This sequence change replaces proline, which is neutral and non-polar, with serine, which is neutral and polar, at codon 387 of the BAG3 protein (p.Pro387Ser). This variant is present in population databases (rs780162994, gnomAD 0.006%). This variant has not been reported in the literature in individuals affected with BAG3-related conditions. ClinVar contains an entry for this variant (Variation ID: 1013712). Invitae Evidence Modeling of protein sequence and biophysical properties (such as structural, functional, and spatial information, amino acid conservation, physicochemical variation, residue mobility, and thermodynamic stability) indicates that this missense variant is not expected to disrupt BAG3 protein function with a negative predictive value of 80%. In summary, the available evidence is currently insufficient to determine the role of this variant in disease. Therefore, it has been classified as a Variant of Uncertain Significance.

NM_004281.4(BAG3):c.1159C>T (p.Pro387Ser)

Gene: BAG3 (BAG cochaperone 3; plus strand). Cytogenetic location: 10q26.11.
Variant type: single nucleotide variant.
Coding change: c.1159C>T on transcript NM_004281.4 (MANE Select); coding-DNA position 1159, C replaced by T.
Protein change: p.Pro387Ser; replaces proline 387 with serine.
Molecular consequence: missense variant.
Genome position (GRCh38, 1-based): chr10:119,676,713, C>T. VCF-style: chr10-119676713-C-T. GRCh37 (hg19) VCF-style: chr10-121436225-C-T.
Other names: short protein forms P387S.
Identifiers: ClinVar variation 1013712 (VCV001013712.8), dbSNP rs780162994, ClinGen allele CA5716500.
Genomic context (GRCh38, chr10:119,676,713, plus strand): 5'-CCCCCTGCTCCAGTTCCTTGTCCTCCTCCCAGCCCTGGCCCTTCTGCTGTCCCCTCTTCC[C>T]CCAAGAGTGTGGCTACAGAAGAGAGGGCAGCCCCCAGCACTGCCCCTGCAGAAGCTACAC-3'
Protein context (NP_004272.2, residues 377-397): SPGPSAVPSS[Pro387Ser]KSVATEERAA